The following is an entry in ClinVar:

ClinVar aggregate classification (germline): Uncertain significance. Review status: criteria provided, multiple submitters, no conflicts (2 of 4 stars). 6 submissions from 6 submitters: Uncertain significance (4). 2 of the submissions do not count toward it. Last evaluated 2025-10-26.

Conditions:
Hereditary cancer-predisposing syndrome. Also called: Tumor predisposition; Neoplastic Syndromes, Hereditary; Hereditary Cancer Syndrome; Hereditary neoplastic syndrome. Identifiers: Orphanet 140162, MedGen C0027672, MeSH D009386, MONDO:0015356.
Familial cancer of breast. Also called: BREAST CANCER, FAMILIAL; hereditary breast carcinoma; Hereditary breast cancer. Identifiers: Orphanet 227535, MedGen C0346153, MONDO:0016419, OMIM 114480. Disease mechanism: loss of function.
Ataxia-telangiectasia syndrome (AT). Also called: Ataxia-telangiectasia; Ataxia-telangiectasia, complementation group D; AT, COMPLEMENTATION GROUP C; LOUIS-BAR SYNDROME; Cerebello-oculocutaneous telangiectasia; Immunodeficiency with ataxia telangiectasia. Identifiers: Orphanet 100, MedGen C0004135, MONDO:0008840, OMIM 208900.

Submissions (6):

Labcorp Genetics (formerly Invitae), Labcorp
Classification: Uncertain significance for Ataxia-telangiectasia syndrome. Last evaluated: 2025-10-26. Review status: criteria provided, single submitter. Criteria: Invitae Variant Classification Sherloc (09022015). Collection method: clinical testing. Allele origin: germline.
Comment: This sequence change replaces isoleucine, which is neutral and non-polar, with valine, which is neutral and non-polar, at codon 1441 of the ATM protein (p.Ile1441Val). This variant is not present in population databases (gnomAD no frequency). This variant has not been reported in the literature in individuals affected with ATM-related conditions. ClinVar contains an entry for this variant (Variation ID: 490567). Invitae Evidence Modeling of protein sequence and biophysical properties (such as structural, functional, and spatial information, amino acid conservation, physicochemical variation, residue mobility, and thermodynamic stability) indicates that this missense variant is not expected to disrupt ATM protein function with a negative predictive value of 95%. In summary, the available evidence is currently insufficient to determine the role of this variant in disease. Therefore, it has been classified as a Variant of Uncertain Significance.

Ambry Genetics
Classification: Uncertain significance for Hereditary cancer-predisposing syndrome. Last evaluated: 2024-05-22. Review status: criteria provided, single submitter. Criteria: Ambry Variant Classification Scheme 2023. Collection method: clinical testing. Allele origin: germline.
Comment: The p.I1441V variant (also known as c.4321A>G), located in coding exon 28 of the ATM gene, results from an A to G substitution at nucleotide position 4321. The isoleucine at codon 1441 is replaced by valine, an amino acid with highly similar properties. This amino acid position is not well conserved in available vertebrate species. In addition, this alteration is predicted to be tolerated by in silico analysis. Based on the available evidence, the clinical significance of this variant remains unclear.

Baylor Genetics
Classification: Uncertain significance for Familial cancer of breast. Last evaluated: 2023-05-11. Review status: criteria provided, single submitter. Criteria: ACMG Guidelines, 2015. Collection method: clinical testing. Allele origin: unknown.

Color Diagnostics, LLC DBA Color Health
Classification: Uncertain significance for Hereditary cancer-predisposing syndrome. Last evaluated: 2023-03-15. Review status: criteria provided, single submitter. Criteria: ACMG Guidelines, 2015. Collection method: clinical testing. Allele origin: germline.
Comment: This missense variant replaces isoleucine with valine at codon 1441 of the ATM protein. Computational prediction suggests that this variant may not impact protein structure and function (internally defined REVEL score threshold <= 0.5, PMID: 27666373). To our knowledge, functional studies have not been reported for this variant. This variant has not been reported in individuals affected with ATM-related disorders in the literature. This variant has not been identified in the general population by the Genome Aggregation Database (gnomAD). The available evidence is insufficient to determine the role of this variant in disease conclusively. Therefore, this variant is classified as a Variant of Uncertain Significance.

Genetic Services Laboratory, University of Chicago
Classification: Uncertain significance. Last evaluated: 2022-05-09. Review status: no assertion criteria provided. Collection method: clinical testing. Allele origin: germline. Affected: no. Not counted in ClinVar's aggregate classification.
Comment: DNA sequence analysis of the ATM gene demonstrated a sequence change, c.4321A>G, in exon 29 that results in an amino acid change, p.Ile1441Val. This sequence change does not appear to have been previously described in individuals with ATM-related disorders and has also not been described in population databases such as ExAC and gnomAD. The p.Ile1441Val change affects a moderately conserved amino acid residue located in a domain of the ATM protein that is known to be functional. The p.Ile1441Val substitution appears to be benign using several in-silico pathogenicity prediction tools (SIFT, PolyPhen2, Align GVGD, REVEL). Due to insufficient evidences and the lack of functional studies, the clinical significance of the p.Ile1441Val change remains unknown at this time.

Natera, Inc.
Classification: Uncertain significance for Ataxia-telangiectasia. Last evaluated: 2020-12-03. Review status: no assertion criteria provided. Collection method: clinical testing. Allele origin: germline. Not counted in ClinVar's aggregate classification.

NM_000051.4(ATM):c.4321A>G (p.Ile1441Val)

Gene: ATM (ATM serine/threonine kinase; plus strand). Cytogenetic location: 11q22.3.
Variant type: single nucleotide variant.
Coding change: c.4321A>G on transcript NM_000051.4 (MANE Select); coding-DNA position 4321, A replaced by G.
Protein change: p.Ile1441Val; replaces isoleucine 1441 with valine.
Molecular consequence: missense variant.
Genome position (GRCh38, 1-based): chr11:108,289,686, A>G. VCF-style: chr11-108289686-A-G. GRCh37 (hg19) VCF-style: chr11-108160413-A-G.
Other names: c.4321A>G, p.Ile1441Val (NM_001351834.2); short protein forms I1441V.
Identifiers: ClinVar variation 490567 (VCV000490567.23), dbSNP rs774886013, ClinGen allele CA382531821.